The following is an entry in ClinVar:

ClinVar aggregate classification (germline): Uncertain significance (1 of 4 stars; one submission).

Submission:

Labcorp Genetics (formerly Invitae), Labcorp
Classification: Uncertain significance. Last evaluated: 2024-09-27. Review status: criteria provided, single submitter. Criteria: Invitae Variant Classification Sherloc (09022015). Collection method: clinical testing. Allele origin: germline.
Comment: This sequence change falls in intron 7 of the TBX20 gene. It does not directly change the encoded amino acid sequence of the TBX20 protein. This variant is not present in population databases (gnomAD no frequency). This variant has not been reported in the literature in individuals affected with TBX20-related conditions. Algorithms developed to predict the effect of sequence changes on RNA splicing suggest that this variant may disrupt the consensus splice site. In summary, the available evidence is currently insufficient to determine the role of this variant in disease. Therefore, it has been classified as a Variant of Uncertain Significance.

NM_001077653.2(TBX20):c.1004-10T>G

Gene: TBX20 (T-box transcription factor 20; minus strand). Cytogenetic location: 7p14.2.
Variant type: single nucleotide variant.
Coding change: c.1004-10T>G on transcript NM_001077653.2 (MANE Select); 10 bases into the intron before coding-DNA position 1004, T replaced by G.
Molecular consequence: intron variant.
Genome position (GRCh38, 1-based): chr7:35,202,780, A>C on the plus strand (T>G on the coding strand, the complement: TBX20 is on the minus strand). VCF-style: chr7-35202780-A-C. GRCh37 (hg19) VCF-style: chr7-35242392-A-C.
Identifiers: ClinVar variation 3718079 (VCV003718079.2).